The following is an entry in ClinVar:

ClinVar aggregate classification (germline): Uncertain significance (1 of 4 stars; one submission).

Submission:

ISCA site 4
Classification: Uncertain significance. Last evaluated: 2011-08-12. Review status: criteria provided, single submitter. Criteria: Kaminsky et al. (Genet Med. 2011). Collection method: clinical testing. Allele origin: unknown. Affected: yes. Observed: 1 variant allele.
Comment: Copy number variation identified through the course of routine clinical cytogenomic testing in postnatal populations. Clinical assertions have been curated as described in Kaminsky et al. 2011.

GRCh38/hg38 11q23.3(chr11:115159099-116045030)x3

Genes: CADM1 (cell adhesion molecule 1; minus strand), CADM1-AS1 (CADM1 antisense RNA 1; plus strand), LINC00900 (long intergenic non-protein coding RNA 900; minus strand), LINC02703 (long intergenic non-protein coding RNA 2703; plus strand), LOC101928985 (uncharacterized LOC101928985; minus strand) and 16 more. Cytogenetic location: 11q23.3.
Variant type: copy number gain.
Change: copy number 3 (three copies instead of two) of chr11:115,159,099-116,045,030 (885.9 kb, GRCh38 coordinates, 1-based), cytogenetic band 11q23.3.
Identifiers: ClinVar variation 58188 (VCV000058188.1).